The following is an entry in ClinVar:

ClinVar aggregate classification (germline): Uncertain significance (1 of 4 stars; one submission).

gnomAD v4.1: 1 of 1,207,866 alleles (0.000083%); highest among the groups gnomAD compares: Non-Finnish European, 0.00011%; no homozygotes.

Submission:

Labcorp Genetics (formerly Invitae), Labcorp
Classification: Uncertain significance. Last evaluated: 2025-05-02. Review status: criteria provided, single submitter. Criteria: Invitae Variant Classification Sherloc (09022015). Collection method: clinical testing. Allele origin: germline.
Comment: This sequence change replaces leucine, which is neutral and non-polar, with phenylalanine, which is neutral and non-polar, at codon 639 of the STAG2 protein (p.Leu639Phe). This variant is present in population databases (no rsID available, gnomAD 0.001%). This variant has not been reported in the literature in individuals affected with STAG2-related conditions. Invitae Evidence Modeling of protein sequence and biophysical properties (such as structural, functional, and spatial information, amino acid conservation, physicochemical variation, residue mobility, and thermodynamic stability) indicates that this missense variant is not expected to disrupt STAG2 protein function with a negative predictive value of 80%. In summary, the available evidence is currently insufficient to determine the role of this variant in disease. Therefore, it has been classified as a Variant of Uncertain Significance.

NM_001042750.2(STAG2):c.1915C>T (p.Leu639Phe)

Gene: STAG2 (STAG2 cohesin complex component; plus strand). Cytogenetic location: Xq25.
Variant type: single nucleotide variant.
Coding change: c.1915C>T on transcript NM_001042750.2 (MANE Select); coding-DNA position 1915, C replaced by T.
Protein change: p.Leu639Phe; replaces leucine 639 with phenylalanine.
Molecular consequence: missense variant.
Genome position (GRCh38, 1-based): chrX:124,063,941, C>T. VCF-style: chrX-124063941-C-T. GRCh37 (hg19) VCF-style: chrX-123197791-C-T.
Other names: c.1915C>T, p.Leu639Phe (NM_001375372.1, NM_001375373.1, NM_001375374.1 and 23 more transcripts); short protein forms L639F.
Identifiers: ClinVar variation 4774342 (VCV004774342.1).
Genomic context (GRCh38, chrX:124,063,941, plus strand): 5'-ATTGTAGAGAAGCACACAGATACAGATGTTTTGGAAGCATGTTCTAAAACTTACCATGCA[C>T]TCTGTAATGAAGAGTTCACAATCTTCAACAGAGTAGATATTTCAAGAAGTCAACTGATAG-3'
Protein context (NP_001036215.1, residues 629-649): LEACSKTYHA[Leu639Phe]CNEEFTIFNR